The following is an entry in ClinVar:

ClinVar aggregate classification (germline): Benign/Likely benign. Review status: criteria provided, multiple submitters, no conflicts (2 of 4 stars). 4 submissions from 4 submitters: Benign (1); Likely benign (3). Last evaluated 2025-12-16.

Conditions:
Noonan syndrome 1 (NS1). Also called: FEMALE PSEUDO-TURNER SYNDROME; PTPN11-Related Noonan Syndrome; TURNER PHENOTYPE WITH NORMAL KARYOTYPE. Identifiers: Orphanet 648, MedGen C4551602, MONDO:0008104, OMIM 163950. Disease mechanism: gain of function.
Melanoma, cutaneous malignant, susceptibility to, 1 (CMM1). Also called: MELANOMA, MALIGNANT; DYSPLASTIC NEVUS SYNDROME, HEREDITARY; FAMILIAL ATYPICAL MOLE-MALIGNANT MELANOMA SYNDROME; B-K MOLE SYNDROME. Identifiers: Orphanet 618, MedGen C1835047, MONDO:0007963, OMIM 155600.
Lung cancer. Also called: Lung cancer, somatic; Malignant tumor of lung. Identifiers: MedGen C0242379, MONDO:0008903, OMIM 211980.
Cardiofaciocutaneous syndrome 1 (CFC1). Also called: BRAF-Related Cardiofaciocutaneous Syndrome. Identifiers: Orphanet 1340, MedGen CN029449, MONDO:0007265, OMIM 115150. Disease mechanism: gain of function.
LEOPARD syndrome 3 (LPRD3). Identifiers: Orphanet 500, MedGen C3150971, MONDO:0013380, OMIM 613707.
Colorectal cancer. Also called: Colorectal cancer, somatic; Malignant Colorectal Neoplasm. Identifiers: MedGen C0346629, MONDO:0005575, OMIM 114500.
Noonan syndrome 7 (NS7). Also called: BRAF-Related Noonan Syndrome. Identifiers: Orphanet 648, MedGen C3150970, MONDO:0013379, OMIM 613706.
RASopathy. Also called: rasopathies; Noonan spectrum disorder. Identifiers: Orphanet 536391, MedGen C5555857, MONDO:0021060.

Allele frequency attached by ClinVar (database versions not stated): gnomAD 0.00016 and 0.00015; TOPMed 0.00016; ESP Exome Variant Server 0.00023; gnomAD exomes 0.00003; ExAC 0.00004.
gnomAD v4.1: 61 of 1,578,538 alleles (0.0039%); highest among the groups gnomAD compares: African/African-American, 0.043%; 2 homozygotes.

Submissions (4):

Labcorp Genetics (formerly Invitae), Labcorp
Classification: Likely benign for RASopathy. Last evaluated: 2025-12-16. Review status: criteria provided, single submitter. Criteria: Invitae Variant Classification Sherloc (09022015). Collection method: clinical testing. Allele origin: germline.

Fulgent Genetics
Classification: Likely benign for Colorectal cancer; Cardiofaciocutaneous syndrome 1; Melanoma, cutaneous malignant, susceptibility to, 1; Noonan syndrome 1; Lung cancer; Noonan syndrome 7; LEOPARD syndrome 3. Last evaluated: 2022-04-22. Review status: criteria provided, single submitter. Criteria: ACMG Guidelines, 2015. Collection method: clinical testing. Allele origin: unknown.

Women's Health and Genetics/Laboratory Corporation of America, LabCorp
Classification: Benign. Last evaluated: 2021-02-01. Review status: criteria provided, single submitter. Criteria: LabCorp Variant Classification Summary - May 2015. Collection method: clinical testing. Allele origin: germline.
Comment: Variant summary: BRAF c.1860+16A>G alters a non-conserved nucleotide located close to a canonical splice site and therefore could affect mRNA splicing, leading to a significantly altered protein sequence. 4/4 computational tools predict no significant impact on normal splicing. However, these predictions have yet to be confirmed by functional studies. The variant allele was found at a frequency of 4.2e-05 in 282590 control chromosomes. The observed variant frequency is approximately 9 fold of the estimated maximal expected allele frequency for a pathogenic variant in BRAF causing Cardiofaciocutaneous Syndrome phenotype (4.7e-06), strongly suggesting that the variant is benign. To our knowledge, no occurrence of c.1860+16A>G in individuals affected with Cardiofaciocutaneous Syndrome and no experimental evidence demonstrating its impact on protein function have been reported. One clinical diagnostic laboratory has submitted clinical-significance assessments for this variant to ClinVar after 2014 without evidence for independent evaluation. One laboratory classified the variant as likely benign. Based on the evidence outlined above, the variant was classified as benign.

GeneDx
Classification: Likely benign. Last evaluated: 2018-03-05. Review status: criteria provided, single submitter. Criteria: GeneDx Variant Classification (06012015). Collection method: clinical testing. Allele origin: germline. Affected: yes.
Comment: This variant is considered likely benign or benign based on one or more of the following criteria: it is a conservative change, it occurs at a poorly conserved position in the protein, it is predicted to be benign by multiple in silico algorithms, and/or has population frequency not consistent with disease.

Literature cited by the submitters: PubMed 24920063 (cited by Women's Health and Genetics/Laboratory Corporation of America, LabCorp); PubMed 24446311 (cited by Women's Health and Genetics/Laboratory Corporation of America, LabCorp); PubMed 28947956 (cited by Women's Health and Genetics/Laboratory Corporation of America, LabCorp); PubMed 27276561 (cited by Women's Health and Genetics/Laboratory Corporation of America, LabCorp).

NM_004333.6(BRAF):c.1860+16A>G

Gene: BRAF (B-Raf proto-oncogene, serine/threonine kinase; minus strand). Cytogenetic location: 7q34.
Variant type: single nucleotide variant.
Coding change: c.1860+16A>G on transcript NM_004333.6 (MANE Select); 16 bases into the intron after coding-DNA position 1860, A replaced by G.
Molecular consequence: intron variant.
Genome position (GRCh38, 1-based): chr7:140,753,259, T>C on the plus strand (A>G on the coding strand, the complement: BRAF is on the minus strand). VCF-style: chr7-140753259-T-C. GRCh37 (hg19) VCF-style: chr7-140453059-T-C.
Other names: c.1860+16A>G (NM_001378474.1, NM_001378468.1, NM_001354609.2); c.1758+16A>G (NM_001378470.1); c.1596+16A>G (NM_001378475.1); c.1749+16A>G (NM_001378471.1); c.1980+16A>G (NM_001374258.1, NM_001374244.1); c.1869+16A>G (NM_001378467.1); c.1704+16A>G (NM_001378472.1, NM_001378473.1); c.1794+16A>G (NM_001378469.1).
Identifiers: ClinVar variation 380268 (VCV000380268.25), dbSNP rs368859030, ClinGen allele CA4516650.